The following is an entry in ClinVar:

ClinVar aggregate classification (germline): Uncertain significance. Review status: criteria provided, multiple submitters, no conflicts (2 of 4 stars). 2 submissions from 2 submitters: Uncertain significance (2). Last evaluated 2024-05-19.

Conditions:
Hereditary cancer-predisposing syndrome. Also called: Tumor predisposition; Hereditary neoplastic syndrome; Neoplastic Syndromes, Hereditary; Hereditary Cancer Syndrome. Identifiers: Orphanet 140162, MedGen C0027672, MeSH D009386, MONDO:0015356.
Hereditary nonpolyposis colorectal neoplasms. Identifiers: MedGen C0009405, MeSH D003123.

Submissions (2):

Ambry Genetics
Classification: Uncertain significance for Hereditary cancer-predisposing syndrome. Last evaluated: 2024-05-19. Review status: criteria provided, single submitter. Criteria: Ambry Variant Classification Scheme 2023. Collection method: clinical testing. Allele origin: germline.
Comment: The p.D253Y variant (also known as c.757G>T), located in coding exon 4 of the MSH6 gene, results from a G to T substitution at nucleotide position 757. The aspartic acid at codon 253 is replaced by tyrosine, an amino acid with highly dissimilar properties. This amino acid position is conserved. In addition, this alteration is predicted to be deleterious by in silico analysis. Based on the available evidence, the clinical significance of this variant remains unclear.

Labcorp Genetics (formerly Invitae), Labcorp
Classification: Uncertain significance for Hereditary nonpolyposis colorectal neoplasms. Last evaluated: 2021-09-24. Review status: criteria provided, single submitter. Criteria: Invitae Variant Classification Sherloc (09022015). Collection method: clinical testing. Allele origin: germline.
Comment: This sequence change replaces aspartic acid with tyrosine at codon 253 of the MSH6 protein (p.Asp253Tyr). The aspartic acid residue is weakly conserved and there is a large physicochemical difference between aspartic acid and tyrosine. This variant is not present in population databases (ExAC no frequency). This variant has not been reported in the literature in individuals with MSH6-related conditions. Algorithms developed to predict the effect of missense changes on protein structure and function are either unavailable or do not agree on the potential impact of this missense change (SIFT: "Deleterious"; PolyPhen-2: "Probably Damaging"; Align-GVGD: "Class C0"). In summary, the available evidence is currently insufficient to determine the role of this variant in disease. Therefore, it has been classified as a Variant of Uncertain Significance.

NM_000179.3(MSH6):c.757G>T (p.Asp253Tyr)

Gene: MSH6 (mutS homolog 6; plus strand). Cytogenetic location: 2p16.3.
Variant type: single nucleotide variant.
Coding change: c.757G>T on transcript NM_000179.3 (MANE Select); coding-DNA position 757, G replaced by T.
Protein change: p.Asp253Tyr; replaces aspartic acid 253 with tyrosine.
Molecular consequence: missense variant. On other transcripts: 5 prime UTR variant (2).
Genome position (GRCh38, 1-based): chr2:47,798,740, G>T. VCF-style: chr2-47798740-G-T. GRCh37 (hg19) VCF-style: chr2-48025879-G-T.
Other names: c.367G>T, p.Asp123Tyr (NM_001281492.2); c.-150G>T (NM_001281493.2, NM_001281494.2); c.757G>T (NM_000179.2); short protein forms D123Y, D253Y.
Identifiers: ClinVar variation 1499625 (VCV001499625.6), dbSNP rs2104295794, ClinGen allele CA346740145.